The following is an entry in ClinVar:

ClinVar aggregate classification (germline): Uncertain significance. Review status: criteria provided, multiple submitters, no conflicts (2 of 4 stars). 2 submissions from 2 submitters: Uncertain significance (2). Last evaluated 2024-11-28.

Conditions:
Kleefstra syndrome 2 (KLEFS2). Identifiers: MedGen C4540395, MONDO:0054701, OMIM 617768.

Submissions (2):

Labcorp Genetics (formerly Invitae), Labcorp
Classification: Uncertain significance. Last evaluated: 2024-11-28. Review status: criteria provided, single submitter. Criteria: Invitae Variant Classification Sherloc (09022015). Collection method: clinical testing. Allele origin: germline.
Comment: This sequence change replaces glutamine, which is neutral and polar, with arginine, which is basic and polar, at codon 1865 of the KMT2C protein (p.Gln1865Arg). This variant is not present in population databases (gnomAD no frequency). This variant has not been reported in the literature in individuals affected with KMT2C-related conditions. ClinVar contains an entry for this variant (Variation ID: 2431734). Invitae Evidence Modeling of protein sequence and biophysical properties (such as structural, functional, and spatial information, amino acid conservation, physicochemical variation, residue mobility, and thermodynamic stability) indicates that this missense variant is not expected to disrupt KMT2C protein function with a negative predictive value of 80%. In summary, the available evidence is currently insufficient to determine the role of this variant in disease. Therefore, it has been classified as a Variant of Uncertain Significance.

Laboratorio de Genetica e Diagnostico Molecular, Hospital Israelita Albert Einstein
Classification: Uncertain significance for Kleefstra syndrome 2. Last evaluated: 2022-05-16. Review status: criteria provided, single submitter. Criteria: ACMG Guidelines, 2015. Collection method: clinical testing. Allele origin: germline. Affected: yes.
Comment: ACMG classification criteria: PM2 moderated, BP4 supporting

NM_170606.3(KMT2C):c.5594A>G (p.Gln1865Arg)

Gene: KMT2C (lysine methyltransferase 2C; minus strand). Cytogenetic location: 7q36.1.
Variant type: single nucleotide variant.
Coding change: c.5594A>G on transcript NM_170606.3 (MANE Select); coding-DNA position 5594, A replaced by G.
Protein change: p.Gln1865Arg; replaces glutamine 1865 with arginine.
Molecular consequence: missense variant.
Genome position (GRCh38, 1-based): chr7:152,182,266, T>C on the plus strand (A>G on the coding strand, the complement: KMT2C is on the minus strand). VCF-style: chr7-152182266-T-C. GRCh37 (hg19) VCF-style: chr7-151879351-T-C.
Other names: short protein forms Q1865R.
Identifiers: ClinVar variation 2431734 (VCV002431734.4), dbSNP rs1200211759, ClinGen allele CA370098557.